The following is an entry in ClinVar:

NM_004655.4(AXIN2):c.1207_1209del (p.Glu403del)

Gene: AXIN2 (axin 2; minus strand). Cytogenetic location: 17q24.1.
Variant type: Deletion.
Coding change: c.1207_1209del on transcript NM_004655.4 (MANE Select); coding-DNA positions 1207 to 1209, 3 bases deleted (GAG; older notation c.1207_1209delGAG).
Protein change: p.Glu403del; deletes glutamic acid 403.
Molecular consequence: inframe deletion.
Genome position (GRCh38, 1-based): chr17:65,537,827-65,537,829, CTC deleted on the plus strand (GAG on the coding strand, the reverse complement: AXIN2 is on the minus strand). VCF-style (leftmost placement, unchanged base first): chr17-65537826-TCTC-T. GRCh37 (hg19) VCF-style: chr17-63533944-TCTC-T.
Other names: p.Glu403del; c.1207_1209del (LRG_296t1, NM_004655.3); c.1207_1209del, p.Glu403del (NM_001363813.1); short protein forms E403del.
Identifiers: ClinVar variation 418051 (VCV000418051.21), dbSNP rs1064793048, ClinGen allele CA16620573.

ClinVar aggregate classification (germline): Uncertain significance. Review status: criteria provided, multiple submitters, no conflicts (2 of 4 stars). 7 submissions from 7 submitters: Uncertain significance (7). Last evaluated 2025-10-17.

Conditions:
Hereditary cancer-predisposing syndrome. Also called: Hereditary neoplastic syndrome; Tumor predisposition; Neoplastic Syndromes, Hereditary; Hereditary Cancer Syndrome. Identifiers: Orphanet 140162, MedGen C0027672, MeSH D009386, MONDO:0015356.
Oligodontia-cancer predisposition syndrome. Also called: TOOTH AGENESIS-COLORECTAL CANCER SYNDROME. Identifiers: Orphanet 300576, MedGen C1837750, MONDO:0012075, OMIM 608615. Disease mechanism: loss of function.
Colorectal cancer. Also called: Colorectal cancer, somatic; Malignant Colorectal Neoplasm. Identifiers: MedGen C0346629, MONDO:0005575, OMIM 114500.
AXIN2-related disorder.

Allele frequency attached by ClinVar (database versions not stated): TOPMed below 0.00001; gnomAD exomes 0.00001.

Submissions (7):

Mayo Clinic Laboratories, Mayo Clinic
Classification: Uncertain significance. Last evaluated: 2025-10-17. Review status: criteria provided, single submitter. Criteria: ACMG Guidelines, 2015. Collection method: clinical testing. Allele origin: germline. Observed: 1 variant allele.
Comment: PM2_supporting, PM4

Ambry Genetics
Classification: Uncertain significance for Hereditary cancer-predisposing syndrome. Last evaluated: 2025-09-29. Review status: criteria provided, single submitter. Criteria: Ambry Variant Classification Scheme 2023. Collection method: clinical testing. Allele origin: germline.
Comment: The c.1207_1209delGAG variant (also known as p.E403del) is located in coding exon 5 of the AXIN2 gene. This variant results from an in-frame GAG deletion at nucleotide positions 1207 to 1209. This results in the in-frame deletion of a glutamic acid at codon 403. This amino acid position is highly conserved in available vertebrate species. In addition, the in silico prediction for this alteration is inconclusive (Choi Y et al. PLoS ONE. 2012; 7(10):e46688). Since supporting evidence is limited at this time, the clinical significance of this alteration remains unclear.

Labcorp Genetics (formerly Invitae), Labcorp
Classification: Uncertain significance for Oligodontia-cancer predisposition syndrome. Last evaluated: 2025-09-25. Review status: criteria provided, single submitter. Criteria: Invitae Variant Classification Sherloc (09022015). Collection method: clinical testing. Allele origin: germline.
Comment: This variant, c.1207_1209del, results in the deletion of 1 amino acid(s) of the AXIN2 protein (p.Glu403del), but otherwise preserves the integrity of the reading frame. This variant is not present in population databases (gnomAD no frequency). This variant has not been reported in the literature in individuals affected with AXIN2-related conditions. ClinVar contains an entry for this variant (Variation ID: 418051). Experimental studies and prediction algorithms are not available or were not evaluated, and the functional significance of this variant is currently unknown. In summary, the available evidence is currently insufficient to determine the role of this variant in disease. Therefore, it has been classified as a Variant of Uncertain Significance.

Baylor Genetics
Classification: Uncertain significance for Colorectal cancer. Last evaluated: 2023-11-27. Review status: criteria provided, single submitter. Criteria: ACMG Guidelines, 2015. Collection method: clinical testing. Allele origin: unknown.

GeneDx
Classification: Uncertain significance. Last evaluated: 2023-09-11. Review status: criteria provided, single submitter. Criteria: GeneDx Variant Classification Process June 2021. Collection method: clinical testing. Allele origin: germline. Affected: yes.
Comment: In-frame deletion of 1 amino acid in a non-repeat region; In silico analysis supports a deleterious effect on protein structure/function; Not observed in large population cohorts (gnomAD); Has not been previously published as pathogenic or benign to our knowledge

PreventionGenetics, part of Exact Sciences
Classification: Uncertain significance for AXIN2-related condition. Last evaluated: 2023-06-19. Review status: criteria provided, single submitter. Criteria: ACMG Guidelines, 2015. Collection method: clinical testing. Allele origin: germline.
Comment: The AXIN2 c.1207_1209delGAG variant is predicted to result in an in-frame deletion (p.Glu403del). To our knowledge, this variant has not been reported in the literature or in a large population database, indicating this variant is rare. It is interpreted as a variant of uncertain significance in ClinVar. At this time, the clinical significance of this variant is uncertain due to the absence of conclusive functional and genetic evidence.

Sema4
Classification: Uncertain significance for Hereditary cancer-predisposing syndrome. Last evaluated: 2021-08-19. Review status: criteria provided, single submitter. Criteria: Sema4 Curation Guidelines. Collection method: curation. Allele origin: germline.
Comment: The AXIN2 c.1207_1209delGAG (p.E403del) variant has not been reported in the literature to our knowledge. It was not observed in the large and broad cohorts of the Genome Aggregation Database (PMID: 32461654). This variant has been reported in ClinVar (Variation ID 418051). The evidence is insufficient to meet ACMG/AMP criteria for classifying the variant as benign or pathogenic. Thus, the clinical significance of this variant is currently uncertain.